The following is an entry in ClinVar:

ClinVar aggregate classification (germline): Benign. Review status: criteria provided, multiple submitters, no conflicts (2 of 4 stars). 2 submissions from 2 submitters: Benign (2). Last evaluated 2025-09-15.

Allele frequency attached by ClinVar (database versions not stated): ExAC 0.00013; gnomAD exomes 0.00015; gnomAD 0.00019; 1000 Genomes Project 0.00020; TOPMed 0.00029; 1000 Genomes Project 30x 0.00031.
gnomAD v4.1: 278 of 1,603,464 alleles (0.017%); highest among the groups gnomAD compares: Middle Eastern, 0.3%; 2 homozygotes.

Submissions (2):

Labcorp Genetics (formerly Invitae), Labcorp
Classification: Benign. Last evaluated: 2025-09-15. Review status: criteria provided, single submitter. Criteria: Invitae Variant Classification Sherloc (09022015). Collection method: clinical testing. Allele origin: germline.

Women's Health and Genetics/Laboratory Corporation of America, LabCorp
Classification: Benign. Last evaluated: 2024-01-09. Review status: criteria provided, single submitter. Criteria: LabCorp Variant Classification Summary - May 2015. Collection method: clinical testing. Allele origin: germline.
Comment: Variant summary: KLHL3 c.903+16A>G alters a nucleotide located at a position not widely known to affect splicing. Several computational tools predict a significant impact on normal splicing: Four predict the variant no significant impact on splicing. However, these predictions have yet to be confirmed by functional studies. The variant allele was found at a frequency of 0.00018 in 242298 control chromosomes in the gnomAD database, including 1 homozygote. To our knowledge, no occurrence of c.903+16A>G in individuals affected with Pseudohypoaldosteronism Type 2D and no experimental evidence demonstrating its impact on protein function have been reported. ClinVar contains an entry for this variant (Variation ID: 1988609). Based on the evidence outlined above, the variant was classified as benign.

NM_017415.3(KLHL3):c.903+16A>G

Gene: KLHL3 (kelch like family member 3; minus strand). Cytogenetic location: 5q31.2.
Variant type: single nucleotide variant.
Coding change: c.903+16A>G on transcript NM_017415.3 (MANE Select); 16 bases into the intron after coding-DNA position 903, A replaced by G.
Molecular consequence: intron variant.
Genome position (GRCh38, 1-based): chr5:137,658,115, T>C on the plus strand (A>G on the coding strand, the complement: KLHL3 is on the minus strand). VCF-style: chr5-137658115-T-C. GRCh37 (hg19) VCF-style: chr5-136993804-T-C.
Other names: c.807+16A>G (NM_001257194.1); c.657+16A>G (NM_001257195.2).
Identifiers: ClinVar variation 1988609 (VCV001988609.5), dbSNP rs565047196, ClinGen allele CA3422371.